The following is an entry in ClinVar:

ClinVar aggregate classification (germline): Uncertain significance. Review status: criteria provided, multiple submitters, no conflicts (2 of 4 stars). 2 submissions from 2 submitters: Uncertain significance (2). Last evaluated 2025-03-20.

Allele frequency attached by ClinVar (database versions not stated): gnomAD 0.00001; TOPMed 0.00001; ExAC 0.00003; gnomAD exomes 0.00005 and 0.00006.
gnomAD v4.1: 31 of 1,613,454 alleles (0.0019%); highest among the groups gnomAD compares: Non-Finnish European, 0.00034%; no homozygotes.

Submissions (2):

Women's Health and Genetics/Laboratory Corporation of America, LabCorp
Classification: Uncertain significance. Last evaluated: 2025-03-20. Review status: criteria provided, single submitter. Criteria: LabCorp Variant Classification Summary - May 2015. Collection method: clinical testing. Allele origin: germline.
Comment: Variant summary: COL7A1 c.8441G>A (p.Arg2814Gln) results in a conservative amino acid change in the encoded protein sequence. Four of five in-silico tools predict a benign effect of the variant on protein function. The variant allele was found at a frequency of 6e-05 in 248984 control chromosomes. This frequency is not significantly higher than estimated for a pathogenic variant in COL7A1 causing Dystrophic Epidermolysis Bullosa, Recessive, allowing no conclusion about variant significance. To our knowledge, no occurrence of c.8441G>A in individuals affected with Dystrophic Epidermolysis Bullosa, Recessive and no experimental evidence demonstrating its impact on protein function have been reported. ClinVar contains an entry for this variant (Variation ID: 1370193). Based on the evidence outlined above, the variant was classified as uncertain significance.

Labcorp Genetics (formerly Invitae), Labcorp
Classification: Uncertain significance. Last evaluated: 2025-01-17. Review status: criteria provided, single submitter. Criteria: Invitae Variant Classification Sherloc (09022015). Collection method: clinical testing. Allele origin: germline.
Comment: This sequence change replaces arginine, which is basic and polar, with glutamine, which is neutral and polar, at codon 2814 of the COL7A1 protein (p.Arg2814Gln). This variant is present in population databases (rs767236747, gnomAD 0.06%). This variant has not been reported in the literature in individuals affected with COL7A1-related conditions. ClinVar contains an entry for this variant (Variation ID: 1370193). An algorithm developed to predict the effect of missense changes on protein structure and function (PolyPhen-2) suggests that this variant is likely to be tolerated. In summary, the available evidence is currently insufficient to determine the role of this variant in disease. Therefore, it has been classified as a Variant of Uncertain Significance.

NM_000094.4(COL7A1):c.8441G>A (p.Arg2814Gln)

Gene: COL7A1 (collagen type VII alpha 1 chain; minus strand). Cytogenetic location: 3p21.31.
Variant type: single nucleotide variant.
Coding change: c.8441G>A on transcript NM_000094.4 (MANE Select); coding-DNA position 8441, G replaced by A.
Protein change: p.Arg2814Gln; replaces arginine 2814 with glutamine.
Molecular consequence: missense variant.
Genome position (GRCh38, 1-based): chr3:48,565,496, C>T on the plus strand (G>A on the coding strand, the complement: COL7A1 is on the minus strand). VCF-style: chr3-48565496-C-T. GRCh37 (hg19) VCF-style: chr3-48602929-C-T.
Other names: short protein forms R2814Q.
Identifiers: ClinVar variation 1370193 (VCV001370193.9), dbSNP rs767236747, ClinGen allele CA2377989.